The following is an entry in ClinVar:

NM_001273.5(CHD4):c.2962T>C (p.Tyr988His)

Gene: CHD4 (chromodomain helicase DNA binding protein 4; minus strand). Cytogenetic location: 12p13.31.
Variant type: single nucleotide variant.
Coding change: c.2962T>C on transcript NM_001273.5 (MANE Select); coding-DNA position 2962, T replaced by C.
Protein change: p.Tyr988His; replaces tyrosine 988 with histidine.
Molecular consequence: missense variant.
Genome position (GRCh38, 1-based): chr12:6,592,044, A>G on the plus strand (T>C on the coding strand, the complement: CHD4 is on the minus strand). VCF-style: chr12-6592044-A-G. GRCh37 (hg19) VCF-style: chr12-6701210-A-G.
Other names: c.2941T>C, p.Tyr981His (NM_001297553.2); c.2923T>C, p.Tyr975His (NM_001363606.2); short protein forms Y975H, Y981H, Y988H.
Identifiers: ClinVar variation 1691617 (VCV001691617.3), dbSNP rs2136213870, ClinGen allele CA383587284.

ClinVar aggregate classification (germline): Uncertain significance (1 of 4 stars; one submission).

Submission:

GeneDx
Classification: Uncertain significance. Last evaluated: 2021-12-08. Review status: criteria provided, single submitter. Criteria: GeneDx Variant Classification Process June 2021. Collection method: clinical testing. Allele origin: germline. Affected: yes.
Comment: Not observed at significant frequency in large population cohorts (gnomAD); In silico analysis supports that this missense variant has a deleterious effect on protein structure/function; Has not been previously published as pathogenic or benign to our knowledge